The following is an entry in ClinVar:

ClinVar aggregate classification (germline): Uncertain significance (1 of 4 stars; one submission).

Submission:

Labcorp Genetics (formerly Invitae), Labcorp
Classification: Uncertain significance. Last evaluated: 2025-07-13. Review status: criteria provided, single submitter. Criteria: Invitae Variant Classification Sherloc (09022015). Collection method: clinical testing. Allele origin: germline.
Comment: This sequence change replaces glycine, which is neutral and non-polar, with arginine, which is basic and polar, at codon 947 of the TECTA protein (p.Gly947Arg). This variant is present in population databases (no rsID available, gnomAD 0.0009%). This variant has not been reported in the literature in individuals affected with TECTA-related conditions. Invitae Evidence Modeling of protein sequence and biophysical properties (such as structural, functional, and spatial information, amino acid conservation, physicochemical variation, residue mobility, and thermodynamic stability) indicates that this missense variant is not expected to disrupt TECTA protein function with a negative predictive value of 95%. In summary, the available evidence is currently insufficient to determine the role of this variant in disease. Therefore, it has been classified as a Variant of Uncertain Significance.

NM_005422.4(TECTA):c.2839G>C (p.Gly947Arg)

Genes: TBCEL-TECTA (TBCEL-TECTA readthrough; plus strand), TECTA (tectorin alpha; plus strand), LOC126861365 (P300/CBP strongly-dependent group 1 enhancer GRCh37_chr11:121000154-121001353; plus strand). Cytogenetic location: 11q23.3.
Variant type: single nucleotide variant.
Coding change: c.2839G>C on transcript NM_005422.4 (MANE Select); coding-DNA position 2839, G replaced by C.
Protein change: p.Gly947Arg; replaces glycine 947 with arginine.
Molecular consequence: missense variant.
Genome position (GRCh38, 1-based): chr11:121,130,109, G>C. VCF-style: chr11-121130109-G-C. GRCh37 (hg19) VCF-style: chr11-121000818-G-C.
Other names: c.3796G>C, p.Gly1266Arg (NM_001378761.1); short protein forms G1266R, G947R.
Identifiers: ClinVar variation 4700890 (VCV004700890.1).